The following is an entry in ClinVar:

NM_030962.4(SBF2):c.2101G>A (p.Asp701Asn)

Genes: SBF2 (SET binding factor 2; minus strand), LOC101928008 (uncharacterized LOC101928008; plus strand). Cytogenetic location: 11p15.4.
Variant type: single nucleotide variant.
Coding change: c.2101G>A on transcript NM_030962.4 (MANE Select); coding-DNA position 2101, G replaced by A.
Protein change: p.Asp701Asn; replaces aspartic acid 701 with asparagine.
Molecular consequence: missense variant.
Genome position (GRCh38, 1-based): chr11:9,856,720, C>T on the plus strand (G>A on the coding strand, the complement: SBF2 is on the minus strand). VCF-style: chr11-9856720-C-T. GRCh37 (hg19) VCF-style: chr11-9878267-C-T.
Other names: c.2101G>A, p.Asp701Asn (NM_001386339.1); c.1972G>A, p.Asp658Asn (NM_001386342.1); short protein forms D701N, D658N.
Identifiers: ClinVar variation 841148 (VCV000841148.6), dbSNP rs746473762, ClinGen allele CA5881623.

ClinVar aggregate classification (germline): Uncertain significance. Review status: criteria provided, multiple submitters, no conflicts (2 of 4 stars). 2 submissions from 2 submitters: Uncertain significance (2). Last evaluated 2025-10-24.

Conditions:
Charcot-Marie-Tooth disease type 4. Also called: Charcot-Marie-Tooth, Type 4; Charcot-Marie-Tooth disease, type IV. Identifiers: Orphanet 64749, MedGen C4082197, MONDO:0018995.

Allele frequency attached by ClinVar (database versions not stated): ExAC 0.00001; gnomAD 0.00001; TOPMed 0.00004.
gnomAD v4.1: 17 of 1,613,350 alleles (0.0011%); highest among the groups gnomAD compares: African/African-American, 0.0013%; no homozygotes.

Submissions (2):

Athena Diagnostics
Classification: Uncertain significance. Last evaluated: 2025-10-24. Review status: criteria provided, single submitter. Criteria: Athena Diagnostics Criteria. Collection method: clinical testing. Allele origin: unknown.
Comment: Available data are insufficient to determine the clinical significance of the variant at this time. The frequency of this variant in the general population is uninformative in assessment of its pathogenicity. Polyphen and MutationTaster predict this amino acid change may be benign.

Labcorp Genetics (formerly Invitae), Labcorp
Classification: Uncertain significance for Charcot-Marie-Tooth disease type 4. Last evaluated: 2021-10-11. Review status: criteria provided, single submitter. Criteria: Invitae Variant Classification Sherloc (09022015). Collection method: clinical testing. Allele origin: germline.
Comment: This sequence change replaces aspartic acid with asparagine at codon 701 of the SBF2 protein (p.Asp701Asn). The aspartic acid residue is weakly conserved and there is a small physicochemical difference between aspartic acid and asparagine. This variant is present in population databases (rs746473762, ExAC 0.001%). This variant has not been reported in the literature in individuals affected with SBF2-related conditions. Algorithms developed to predict the effect of missense changes on protein structure and function (SIFT, PolyPhen-2, Align-GVGD) all suggest that this variant is likely to be tolerated. In summary, the available evidence is currently insufficient to determine the role of this variant in disease. Therefore, it has been classified as a Variant of Uncertain Significance.